The following is an entry in ClinVar:

NM_002253.4(KDR):c.3933C>T (p.Ser1311=)

Gene: KDR (kinase insert domain receptor; minus strand). Cytogenetic location: 4q12.
Variant type: single nucleotide variant.
Coding change: c.3933C>T on transcript NM_002253.4 (MANE Select); coding-DNA position 3933, C replaced by T.
Protein change: p.Ser1311=; no amino-acid change (serine 1311 retained).
Molecular consequence: synonymous variant.
Genome position (GRCh38, 1-based): chr4:55,080,079, G>A on the plus strand (C>T on the coding strand, the complement: KDR is on the minus strand). VCF-style: chr4-55080079-G-A. GRCh37 (hg19) VCF-style: chr4-55946246-G-A.
Identifiers: ClinVar variation 3058351 (VCV003058351.2), dbSNP rs774371518, ClinGen allele CA2923954.
Genomic context (GRCh38, chr4:55,080,079, plus strand): 5'-CTCTATCAGCTTTAAAAGTTCTGCTTCCTCACTGGAGTACACGGTGGTGTCTGTGTCATC[G>A]GAGTGATATCCGGACTGGTAGCCGCTTGTCTGGTTTGAGCCTTCAGATGCCACAGACTCC-3'
Protein context (NP_002244.1, residues 1301-1321): QTSGYQSGYH[Ser1311=]DDTDTTVYSS

ClinVar aggregate classification (germline): Likely benign (0 of 4 stars; one submission).

Conditions:
KDR-related disorder. Also called: KDR-related condition.

Allele frequency attached by ClinVar (database versions not stated): TOPMed 0.00003; gnomAD 0.00005; gnomAD exomes 0.00005; ExAC 0.00012.
gnomAD v4.1: 85 of 1,614,142 alleles (0.0053%); highest among the groups gnomAD compares: South Asian, 0.06%; 4 homozygotes.

Submission:

PreventionGenetics, part of Exact Sciences
Classification: Likely benign for KDR-related condition. Last evaluated: 2019-04-25. Review status: no assertion criteria provided. Collection method: clinical testing. Allele origin: germline.
Comment: This variant is classified as likely benign based on ACMG/AMP sequence variant interpretation guidelines (Richards et al. 2015 PMID: 25741868, with internal and published modifications).